The following is an entry in ClinVar:

ClinVar aggregate classification (germline): Benign/Likely benign. Review status: criteria provided, multiple submitters, no conflicts (2 of 4 stars). 3 submissions from 3 submitters: Benign (1); Likely benign (1). 1 of the submissions does not count toward it. Last evaluated 2024-05-28.

Conditions:
LGI4-related disorder. Also called: LGI4-related condition.

Allele frequency attached by ClinVar (database versions not stated): gnomAD exomes 0.00023 and 0.00067; ExAC 0.00112; 1000 Genomes Project 30x 0.00187; 1000 Genomes Project 0.00240; gnomAD 0.00274; TOPMed 0.00297; ESP Exome Variant Server 0.00331.
gnomAD v4.1: 744 of 1,609,688 alleles (0.046%); highest among the groups gnomAD compares: African/African-American, 0.85%; 4 homozygotes.

Submissions (3):

Blueprint Genetics
Classification: Likely benign. Last evaluated: 2024-05-28. Review status: criteria provided, single submitter. Criteria: ACMG Guidelines, 2015. Collection method: clinical testing. Allele origin: germline.

Labcorp Genetics (formerly Invitae), Labcorp
Classification: Benign. Last evaluated: 2019-12-31. Review status: criteria provided, single submitter. Criteria: Invitae Variant Classification Sherloc (09022015). Collection method: clinical testing. Allele origin: germline.

PreventionGenetics, part of Exact Sciences
Classification: Benign for LGI4-related condition. Last evaluated: 2019-04-10. Review status: no assertion criteria provided. Collection method: clinical testing. Allele origin: germline. Not counted in ClinVar's aggregate classification.
Comment: This variant is classified as benign based on ACMG/AMP sequence variant interpretation guidelines (Richards et al. 2015 PMID: 25741868, with internal and published modifications).

NM_139284.3(LGI4):c.279C>T (p.Asp93=)

Gene: LGI4 (leucine rich repeat LGI family member 4; minus strand). Cytogenetic location: 19q13.12.
Variant type: single nucleotide variant.
Coding change: c.279C>T on transcript NM_139284.3 (MANE Select); coding-DNA position 279, C replaced by T.
Protein change: p.Asp93=; no amino-acid change (aspartic acid 93 retained).
Molecular consequence: synonymous variant.
Genome position (GRCh38, 1-based): chr19:35,133,728, G>A on the plus strand (C>T on the coding strand, the complement: LGI4 is on the minus strand). VCF-style: chr19-35133728-G-A. GRCh37 (hg19) VCF-style: chr19-35624632-G-A.
Identifiers: ClinVar variation 733247 (VCV000733247.7), dbSNP rs148508572, ClinGen allele CA9373407.